The following is an entry in ClinVar:

ClinVar aggregate classification (germline): Pathogenic (1 of 4 stars; one submission).

Conditions:
Autosomal recessive early-onset Parkinson disease 6 (PARK6). Also called: PARKINSON DISEASE 6, EARLY-ONSET; PINK1-Related Parkinson Disease; PARKINSON DISEASE 6, MODIFIER OF; PINK1 Type of Young-Onset Parkinson Disease. Identifiers: Orphanet 2828, MedGen C1853833, MONDO:0011613, OMIM 605909.

Allele frequency attached by ClinVar (database versions not stated): gnomAD 0.00001; TOPMed 0.00001.

Submission:

Labcorp Genetics (formerly Invitae), Labcorp
Classification: Pathogenic for Autosomal recessive early-onset Parkinson disease 6. Last evaluated: 2025-11-19. Review status: criteria provided, single submitter. Criteria: Invitae Variant Classification Sherloc (09022015). Collection method: clinical testing. Allele origin: germline.
Comment: This sequence change creates a premature translational stop signal (p.Gln5*) in the PINK1 gene. It is expected to result in an absent or disrupted protein product. Loss-of-function variants in PINK1 are known to be pathogenic (PMID: 15087508, 15349870). This variant is not present in population databases (gnomAD no frequency). This variant has not been reported in the literature in individuals affected with PINK1-related conditions. ClinVar contains an entry for this variant (Variation ID: 661098). For these reasons, this variant has been classified as Pathogenic.

Literature cited by the submitters: PubMed 15087508; PubMed 15349870.

NM_032409.3(PINK1):c.13C>T (p.Gln5Ter)

Gene: PINK1 (PTEN induced kinase 1; plus strand). Cytogenetic location: 1p36.12.
Variant type: single nucleotide variant.
Coding change: c.13C>T on transcript NM_032409.3 (MANE Select); coding-DNA position 13, C replaced by T.
Protein change: p.Gln5Ter; replaces glutamine 5 with a stop codon.
Molecular consequence: nonsense.
Genome position (GRCh38, 1-based): chr1:20,633,561, C>T. VCF-style: chr1-20633561-C-T. GRCh37 (hg19) VCF-style: chr1-20960054-C-T.
Other names: short protein forms Q5*.
Identifiers: ClinVar variation 661098 (VCV000661098.7), dbSNP rs1005937012, ClinGen allele CA18987686.
Genomic context (GRCh38, chr1:20,633,561, plus strand): 5'-GTGGTGGCGGCAGCGGCGGCTGCGGGGGCACCGGGCCGCGGCGCCACCATGGCGGTGCGA[C>T]AGGCGCTGGGCCGCGGCCTGCAGCTGGGTCGAGCGCTGCTGCTGCGCTTCACGGGCAAGC-3'